The following is an entry in ClinVar:

ClinVar aggregate classification (germline): Uncertain significance (1 of 4 stars; one submission).

Conditions:
Developmental and epileptic encephalopathy 116. Identifiers: MedGen C5935615, MONDO:0970945, OMIM 620806.

Submission:

3billion
Classification: Uncertain significance for Developmental and epileptic encephalopathy 116. Last evaluated: 2025-09-11. Review status: criteria provided, single submitter. Criteria: ACMG Guidelines, 2015. Collection method: clinical testing. Allele origin: germline. Affected: yes.
Comment: The variant is not observed in the gnomAD v4.1.0 dataset. Predicted Consequence/Location: Missense variant. Missense changes are a common disease-causing mechanism. Damaging effect on gene or gene product predicted by in silico programs is uncertain [REVEL: 0.40 (damaging >=0.6, benign <0.4), 3Cnet: 0.03 (damaging >0.75, benign <0.1)]. Therefore, this variant is classified as VUS according to the recommendation of ACMG/AMP guideline.

NM_001033044.4(GLUL):c.1115A>G (p.Lys372Arg)

Gene: GLUL (glutamate-ammonia ligase; minus strand). Cytogenetic location: 1q25.3.
Variant type: single nucleotide variant.
Coding change: c.1115A>G on transcript NM_001033044.4 (MANE Select); coding-DNA position 1115, A replaced by G.
Protein change: p.Lys372Arg; replaces lysine 372 with arginine.
Molecular consequence: missense variant.
Genome position (GRCh38, 1-based): chr1:182,384,412, T>C on the plus strand (A>G on the coding strand, the complement: GLUL is on the minus strand). VCF-style: chr1-182384412-T-C. GRCh37 (hg19) VCF-style: chr1-182353547-T-C.
Other names: c.1115A>G, p.Lys372Arg (NM_001033056.4, NM_002065.7); short protein forms K372R.
Identifiers: ClinVar variation 4855892 (VCV004855892.1).